The following is an entry in ClinVar:

ClinVar aggregate classification (germline): Uncertain significance (1 of 4 stars; one submission).

gnomAD v4.1: 2 of 1,205,034 alleles (0.00017%); highest among the groups gnomAD compares: Admixed American, 0.0022%; no homozygotes.

Submission:

Labcorp Genetics (formerly Invitae), Labcorp
Classification: Uncertain significance. Last evaluated: 2025-04-08. Review status: criteria provided, single submitter. Criteria: Invitae Variant Classification Sherloc (09022015). Collection method: clinical testing. Allele origin: germline.
Comment: This sequence change replaces leucine, which is neutral and non-polar, with valine, which is neutral and non-polar, at codon 594 of the CHM protein (p.Leu594Val). This variant is present in population databases (rs745996887, gnomAD 0.001%). This variant has not been reported in the literature in individuals affected with CHM-related conditions. Invitae Evidence Modeling of protein sequence and biophysical properties (such as structural, functional, and spatial information, amino acid conservation, physicochemical variation, residue mobility, and thermodynamic stability) indicates that this missense variant is not expected to disrupt CHM protein function with a negative predictive value of 80%. In summary, the available evidence is currently insufficient to determine the role of this variant in disease. Therefore, it has been classified as a Variant of Uncertain Significance.

NM_000390.4(CHM):c.1780C>G (p.Leu594Val)

Gene: CHM (CHM Rab escort protein; minus strand). Cytogenetic location: Xq21.2.
Variant type: single nucleotide variant.
Coding change: c.1780C>G on transcript NM_000390.4 (MANE Select); coding-DNA position 1780, C replaced by G.
Protein change: p.Leu594Val; replaces leucine 594 with valine.
Molecular consequence: missense variant.
Genome position (GRCh38, 1-based): chrX:85,864,812, G>C on the plus strand (C>G on the coding strand, the complement: CHM is on the minus strand). VCF-style: chrX-85864812-G-C. GRCh37 (hg19) VCF-style: chrX-85119817-G-C.
Other names: c.1336C>G, p.Leu446Val (NM_001320959.1, NM_001362517.1, NM_001362518.2 and 1 more transcripts); short protein forms L594V, L446V.
Identifiers: ClinVar variation 4781642 (VCV004781642.1).